The following is an entry in ClinVar:

NM_001122769.3(LCA5):c.186C>G (p.His62Gln)

Gene: LCA5 (lebercilin LCA5; minus strand). Cytogenetic location: 6q14.1.
Variant type: single nucleotide variant.
Coding change: c.186C>G on transcript NM_001122769.3 (MANE Select); coding-DNA position 186, C replaced by G.
Protein change: p.His62Gln; replaces histidine 62 with glutamine.
Molecular consequence: missense variant.
Genome position (GRCh38, 1-based): chr6:79,518,709, G>C on the plus strand (C>G on the coding strand, the complement: LCA5 is on the minus strand). VCF-style: chr6-79518709-G-C. GRCh37 (hg19) VCF-style: chr6-80228426-G-C.
Other names: c.186C>G, p.His62Gln (NM_181714.4); short protein forms H62Q.
Identifiers: ClinVar variation 1005074 (VCV001005074.11), dbSNP rs1219803534, ClinGen allele CA364631266.

ClinVar aggregate classification (germline): Uncertain significance. Review status: criteria provided, single submitter (1 of 4 stars). 2 submissions from 2 submitters: Uncertain significance (1). 1 of the submissions does not count toward it. Last evaluated 2022-09-06.

Conditions:
Leber congenital amaurosis 5 (LCA5). Also called: Amaurosis congenita of Leber, type 5. Identifiers: Orphanet 65, MedGen C1858301, MONDO:0011473, OMIM 604537.

Submissions (2):

Labcorp Genetics (formerly Invitae), Labcorp
Classification: Uncertain significance. Last evaluated: 2022-09-06. Review status: criteria provided, single submitter. Criteria: Invitae Variant Classification Sherloc (09022015). Collection method: clinical testing. Allele origin: germline.
Comment: This variant is present in population databases (no rsID available, gnomAD 0.0009%). This sequence change replaces histidine, which is basic and polar, with glutamine, which is neutral and polar, at codon 62 of the LCA5 protein (p.His62Gln). This variant has not been reported in the literature in individuals affected with LCA5-related conditions. In summary, the available evidence is currently insufficient to determine the role of this variant in disease. Therefore, it has been classified as a Variant of Uncertain Significance. Algorithms developed to predict the effect of missense changes on protein structure and function output the following: SIFT: "Tolerated"; PolyPhen-2: "Benign"; Align-GVGD: "Class C0". The glutamine amino acid residue is found in multiple mammalian species, which suggests that this missense change does not adversely affect protein function. ClinVar contains an entry for this variant (Variation ID: 1005074).

Natera, Inc.
Classification: Uncertain significance for Leber congenital amaurosis type 5. Last evaluated: 2021-10-16. Review status: no assertion criteria provided. Collection method: clinical testing. Allele origin: germline. Not counted in ClinVar's aggregate classification.